The following is an entry in ClinVar:

ClinVar aggregate classification (germline): Uncertain significance (1 of 4 stars; one submission).

Submission:

CeGaT Center for Human Genetics Tuebingen
Classification: Uncertain significance. Last evaluated: 2025-06-01. Review status: criteria provided, single submitter. Criteria: CeGaT Center For Human Genetics Tuebingen Variant Classification Criteria Version 2. Collection method: clinical testing. Allele origin: germline. Affected: yes. Observed: 1 variant allele.
Comment: UGT1A1: PM2, PM5, PP3

NM_000463.3(UGT1A1):c.117C>G (p.His39Gln)

Genes: UGT1A (UDP glucuronosyltransferase family 1 member A complex locus; plus strand), UGT1A1 (UDP glucuronosyltransferase family 1 member A1; plus strand), UGT1A10 (UDP glucuronosyltransferase family 1 member A10; plus strand), UGT1A3 (UDP glucuronosyltransferase family 1 member A3; plus strand), UGT1A4 (UDP glucuronosyltransferase family 1 member A4; plus strand) and 5 more. Cytogenetic location: 2q37.1.
Variant type: single nucleotide variant.
Coding change: c.117C>G on transcript NM_000463.3 (MANE Select); coding-DNA position 117, C replaced by G.
Protein change: p.His39Gln; replaces histidine 39 with glutamine.
Molecular consequence: missense variant. On other transcripts: intron variant (9).
Genome position (GRCh38, 1-based): chr2:233,760,404, C>G. VCF-style: chr2-233760404-C-G. GRCh37 (hg19) VCF-style: chr2-234669050-C-G.
Other names: c.856-6630C>G (NM_019076.5, NM_019075.4, NM_021027.3 and 1 more transcripts); c.61-6630C>G (NM_205862.3); c.862-6630C>G (NM_001072.4); c.868-6630C>G (NM_019078.2, NM_007120.3, NM_019093.4); short protein forms H39Q.
Identifiers: ClinVar variation 4084464 (VCV004084464.8).